The following is an entry in ClinVar:

ClinVar aggregate classification (germline): Pathogenic (1 of 4 stars; one submission).

Submission:

CeGaT Center for Human Genetics Tuebingen
Classification: Pathogenic. Last evaluated: 2025-12-01. Review status: criteria provided, single submitter. Criteria: CeGaT Center For Human Genetics Tuebingen Variant Classification Criteria Version 2. Collection method: clinical testing. Allele origin: germline. Affected: yes. Observed: 1 variant allele.
Comment: NAA15: PVS1, PM2

NM_057175.5(NAA15):c.415C>T (p.Gln139Ter)

Gene: NAA15 (N-alpha-acetyltransferase 15, NatA auxiliary subunit; plus strand). Cytogenetic location: 4q31.1.
Variant type: single nucleotide variant.
Coding change: c.415C>T on transcript NM_057175.5 (MANE Select); coding-DNA position 415, C replaced by T.
Protein change: p.Gln139Ter; replaces glutamine 139 with a stop codon.
Molecular consequence: nonsense.
Genome position (GRCh38, 1-based): chr4:139,342,838, C>T. VCF-style: chr4-139342838-C-T. GRCh37 (hg19) VCF-style: chr4-140263992-C-T.
Other names: c.415C>T, p.Gln139Ter (NM_001410842.1); short protein forms Q139*.
Identifiers: ClinVar variation 4681849 (VCV004681849.5).